The following is an entry in ClinVar:

ClinVar aggregate classification (germline): Uncertain significance (1 of 4 stars; one submission).

gnomAD v4.1: 3 of 1,520,648 alleles (0.0002%); highest among the groups gnomAD compares: Non-Finnish European, 0.00026%; no homozygotes.

Submission:

Labcorp Genetics (formerly Invitae), Labcorp
Classification: Uncertain significance. Last evaluated: 2021-08-30. Review status: criteria provided, single submitter. Criteria: Invitae Variant Classification Sherloc (09022015). Collection method: clinical testing. Allele origin: germline.
Comment: This sequence change replaces serine with glycine at codon 87 of the MESP2 protein (p.Ser87Gly). The serine residue is moderately conserved and there is a small physicochemical difference between serine and glycine. The frequency data for this variant in the population databases is considered unreliable, as metrics indicate insufficient coverage at this position in the ExAC database. This variant has not been reported in the literature in individuals affected with MESP2-related conditions. Algorithms developed to predict the effect of missense changes on protein structure and function are either unavailable or do not agree on the potential impact of this missense change (SIFT: "Deleterious"; PolyPhen-2: "Probably Damaging"; Align-GVGD: "Class C0"). In summary, the available evidence is currently insufficient to determine the role of this variant in disease. Therefore, it has been classified as a Variant of Uncertain Significance.

NM_001039958.2(MESP2):c.259A>G (p.Ser87Gly)

Genes: MESP2 (mesoderm posterior bHLH transcription factor 2; plus strand), LOC130057891 (ATAC-STARR-seq lymphoblastoid silent region 6806; plus strand). Cytogenetic location: 15q26.1.
Variant type: single nucleotide variant.
Coding change: c.259A>G on transcript NM_001039958.2 (MANE Select); coding-DNA position 259, A replaced by G.
Protein change: p.Ser87Gly; replaces serine 87 with glycine.
Molecular consequence: missense variant.
Genome position (GRCh38, 1-based): chr15:89,776,616, A>G. VCF-style: chr15-89776616-A-G. GRCh37 (hg19) VCF-style: chr15-90319847-A-G.
Other names: short protein forms S87G.
Identifiers: ClinVar variation 1403241 (VCV001403241.5), dbSNP rs1458091310, ClinGen allele CA393769406.
Genomic context (GRCh38, chr15:89,776,616, plus strand): 5'-GCCGCGACGACGCCCAGACGAGCGCGCACCGGACCAGCGGGCGGACAGCGGCAGAGCGCC[A>G]GCGAGCGGGAGAAACTGCGCATGCGCACGCTGGCCCGCGCCCTGCACGAGTTGCGCCGCT-3'
Protein context (NP_001035047.1, residues 77-97): GPAGGQRQSA[Ser87Gly]EREKLRMRTL